The following is an entry in ClinVar:

ClinVar aggregate classification (germline): Uncertain significance (1 of 4 stars; one submission).

Conditions:
Inborn genetic diseases. Identifiers: MedGen C0950123, MeSH D030342.

gnomAD v4.1: 3 of 1,614,026 alleles (0.00019%); highest among the groups gnomAD compares: African/African-American, 0.0027%; no homozygotes.

Submission:

Ambry Genetics
Classification: Uncertain significance for Inborn genetic diseases. Last evaluated: 2026-02-23. Review status: criteria provided, single submitter. Criteria: Ambry Variant Classification Scheme 2023. Collection method: clinical testing. Allele origin: germline.
Comment: The p.T7I variant (also known as c.20C>T), located in coding exon 1 of the SBDS gene, results from a C to T substitution at nucleotide position 20. The threonine at codon 7 is replaced by isoleucine, an amino acid with similar properties. This amino acid position is conserved. In addition, this alteration is predicted to be deleterious by in silico analysis. Based on the available evidence, the clinical significance of this variant remains unclear.

NM_016038.4(SBDS):c.20C>T (p.Thr7Ile)

Gene: SBDS (SBDS ribosome maturation factor; minus strand). Cytogenetic location: 7q11.21.
Variant type: single nucleotide variant.
Coding change: c.20C>T on transcript NM_016038.4 (MANE Select); coding-DNA position 20, C replaced by T.
Protein change: p.Thr7Ile; replaces threonine 7 with isoleucine.
Molecular consequence: missense variant.
Genome position (GRCh38, 1-based): chr7:66,995,398, G>A on the plus strand (C>T on the coding strand, the complement: SBDS is on the minus strand). VCF-style: chr7-66995398-G-A. GRCh37 (hg19) VCF-style: chr7-66460385-G-A.
Other names: short protein forms T7I.
Identifiers: ClinVar variation 4826989 (VCV004826989.1).
Genomic context (GRCh38, chr7:66,995,398, plus strand): 5'-AAGCGCTTCCCGGCACGCTTCATCCGTACCACGGCCACATTGGTTAGGCGGATCTGGTTG[G>A]TGGGGGTGAAGATCGACATCGCGGCTGTTCAAAGACCCAGAAGCCGGCGAACCAGGGCTG-3'
Protein context (NP_057122.2, residues 1-17): MSIFTP[Thr7Ile]NQIRLTNVAV